The following is an entry in ClinVar:

NM_001288705.3(CSF1R):c.-6G>A

Genes: CSF1R (colony stimulating factor 1 receptor; minus strand), LOC111188156 (CSF1R promoter/intronic regulatory region; plus strand). Cytogenetic location: 5q32.
Variant type: single nucleotide variant.
Coding change: c.-6G>A on transcript NM_001288705.3 (MANE Select); 6 bases upstream of the start codon, G replaced by A.
Molecular consequence: 5 prime UTR variant. On other transcripts: non-coding transcript variant (1), intron variant (1).
Genome position (GRCh38, 1-based): chr5:150,086,433, C>T on the plus strand (G>A on the coding strand, the complement: CSF1R is on the minus strand). VCF-style: chr5-150086433-C-T. GRCh37 (hg19) VCF-style: chr5-149465996-C-T.
Other names: c.-6G>A (NM_001349736.2, NM_001375320.1, NM_005211.4); c.-395-5409G>A (NM_001375321.1).
Identifiers: ClinVar variation 4979777 (VCV004979777.1).

ClinVar aggregate classification (germline): Likely benign (1 of 4 stars; one submission).

Conditions:
CSF1R-related disorder. Also called: CSF1R-related condition. Identifiers: MedGen CN379780, MONDO:0100632.

gnomAD v4.1: 43 of 1,608,966 alleles (0.0027%); highest among the groups gnomAD compares: East Asian, 0.029%; no homozygotes.

Submission:

PreventionGenetics, part of Exact Sciences
Classification: Likely benign for CSF1R-related condition. Last evaluated: 2025-09-09. Review status: criteria provided, single submitter. Criteria: ACMG Guidelines, 2015. Collection method: clinical testing. Allele origin: germline.
Comment: This variant is classified as likely benign based on ACMG/AMP sequence variant interpretation guidelines (Richards et al. 2015 PMID: 25741868, with internal and published modifications).